The following is an entry in ClinVar:

ClinVar aggregate classification (germline): Uncertain significance (1 of 4 stars; one submission).

Conditions:
Inborn genetic diseases. Identifiers: MedGen C0950123, MeSH D030342.

Submission:

Ambry Genetics
Classification: Uncertain significance for Inborn genetic diseases. Last evaluated: 2026-06-26. Review status: criteria provided, single submitter. Criteria: Ambry Variant Classification Scheme 2023. Collection method: clinical testing. Allele origin: germline.
Comment: The p.S321A variant (also known as c.961T>G), located in coding exon 4 of the SH2B3 gene, results from a T to G substitution at nucleotide position 961. The serine at codon 321 is replaced by alanine, an amino acid with similar properties. This amino acid position is conserved. In addition, this alteration is predicted to be tolerated by in silico analysis. Based on the available evidence, the clinical significance of this variant remains unclear.

NM_005475.3(SH2B3):c.961T>G (p.Ser321Ala)

Gene: SH2B3 (SH2B adaptor protein 3; plus strand). Cytogenetic location: 12q24.12.
Variant type: single nucleotide variant.
Coding change: c.961T>G on transcript NM_005475.3 (MANE Select); coding-DNA position 961, T replaced by G.
Protein change: p.Ser321Ala; replaces serine 321 with alanine.
Molecular consequence: missense variant.
Genome position (GRCh38, 1-based): chr12:111,447,159, T>G. VCF-style: chr12-111447159-T-G. GRCh37 (hg19) VCF-style: chr12-111884963-T-G.
Other names: c.355T>G, p.Ser119Ala (NM_001291424.1); short protein forms S119A, S321A.
Identifiers: ClinVar variation 5029459 (VCV005029459.1).
Genomic context (GRCh38, chr12:111,447,159, plus strand): 5'-CTTAACCTCAGCCTCTTCTCCAGCAGGCTGGAGAGCACAGAAGCAGAGATGCATATTCCC[T>G]CAGCCCTAGAGCCTAGCACGTCCAGCTCCCCAAGGGGCAGCACAGATTCCCTTAACCAAG-3'
Protein context (NP_005466.1, residues 311-331): ESTEAEMHIP[Ser321Ala]ALEPSTSSSP